The following is an entry in ClinVar:

NM_001011658.4(TRAPPC2):c.409C>T (p.His137Tyr)

Gene: TRAPPC2 (trafficking protein particle complex subunit 2; minus strand). Cytogenetic location: Xp22.2.
Variant type: single nucleotide variant.
Coding change: c.409C>T on transcript NM_001011658.4 (MANE Select); coding-DNA position 409, C replaced by T.
Protein change: p.His137Tyr; replaces histidine 137 with tyrosine.
Molecular consequence: missense variant.
Genome position (GRCh38, 1-based): chrX:13,714,421, G>A on the plus strand (C>T on the coding strand, the complement: TRAPPC2 is on the minus strand). VCF-style: chrX-13714421-G-A. GRCh37 (hg19) VCF-style: chrX-13732540-G-A.
Other names: c.511C>T, p.His171Tyr (NM_001128835.3); c.409C>T, p.His137Tyr (NM_014563.6); short protein forms H137Y, H171Y.
Identifiers: ClinVar variation 2759012 (VCV002759012.3), dbSNP rs2518605019, ClinGen allele CA412322305.
Genomic context (GRCh38, chrX:13,714,421, plus strand): 5'-GTATACACCATTGTGGTGACATCATTTATTTTGGAATTTTCTGCATTCAGCTTAAAAGGT[G>A]TTTCTTCCCAAGAAACTGAACTTTTCTGTCAAATGCACTTGATCGAATAGGAGAATTGGG-3'
Protein context (NP_001011658.1, residues 127-140): DRKVQFLGKK[His137Tyr]LLS

ClinVar aggregate classification (germline): Uncertain significance (1 of 4 stars; one submission).

Submission:

Labcorp Genetics (formerly Invitae), Labcorp
Classification: Uncertain significance. Last evaluated: 2023-09-08. Review status: criteria provided, single submitter. Criteria: Invitae Variant Classification Sherloc (09022015). Collection method: clinical testing. Allele origin: germline.
Comment: In summary, the available evidence is currently insufficient to determine the role of this variant in disease. Therefore, it has been classified as a Variant of Uncertain Significance. This sequence change replaces histidine, which is basic and polar, with tyrosine, which is neutral and polar, at codon 137 of the TRAPPC2 protein (p.His137Tyr). An algorithm developed to predict the effect of missense changes on protein structure and function (PolyPhen-2) suggests that this variant is likely to be tolerated. This variant has not been reported in the literature in individuals affected with TRAPPC2-related conditions. This variant is not present in population databases (gnomAD no frequency).